The following is an entry in ClinVar:

ClinVar aggregate classification (germline): Uncertain significance. Review status: criteria provided, multiple submitters, no conflicts (2 of 4 stars). 4 submissions from 4 submitters: Uncertain significance (4). Last evaluated 2025-08-07.

Conditions:
Cardiovascular phenotype. Identifiers: MedGen CN230736.
JAG1-related disorder. Also called: JAG1-related disorders; JAG1-related condition.
Alagille syndrome due to a JAG1 point mutation. Also called: HEPATIC DUCTULAR HYPOPLASIA, SYNDROMATIC; JAG1-Related Alagille Syndrome; Alagille Syndrome 1. Identifiers: Orphanet 261619, Orphanet 52, MedGen C1956125, MONDO:0016862, OMIM 118450.

Allele frequency attached by ClinVar (database versions not stated): TOPMed below 0.00001; ExAC 0.00001.
gnomAD v4.1: 24 of 1,613,138 alleles (0.0015%); highest among the groups gnomAD compares: South Asian, 0.0077%; no homozygotes.

Submissions (4):

PreventionGenetics, part of Exact Sciences
Classification: Uncertain significance for JAG1-related condition. Last evaluated: 2025-08-07. Review status: criteria provided, single submitter. Criteria: ACMG Guidelines, 2015. Collection method: clinical testing. Allele origin: germline.
Comment: The JAG1 c.307G>C variant is predicted to result in the amino acid substitution p.Gly103Arg. To our knowledge, this variant has not been reported in the literature. This variant is reported in 0.0033% of alleles in individuals of South Asian descent in gnomAD. At this time, the clinical significance of this variant is uncertain due to the absence of conclusive functional and genetic evidence.

Ambry Genetics
Classification: Uncertain significance for Cardiovascular phenotype. Last evaluated: 2024-06-18. Review status: criteria provided, single submitter. Criteria: Ambry Variant Classification Scheme 2023. Collection method: clinical testing. Allele origin: germline.
Comment: The p.G103R variant (also known as c.307G>C), located in coding exon 2 of the JAG1 gene, results from a G to C substitution at nucleotide position 307. The glycine at codon 103 is replaced by arginine, an amino acid with dissimilar properties. This amino acid position is conserved. In addition, this alteration is predicted to be deleterious by in silico analysis. Based on the available evidence, the clinical significance of this variant remains unclear.

Labcorp Genetics (formerly Invitae), Labcorp
Classification: Uncertain significance for Alagille syndrome due to a JAG1 point mutation. Last evaluated: 2022-04-17. Review status: criteria provided, single submitter. Criteria: Invitae Variant Classification Sherloc (09022015). Collection method: clinical testing. Allele origin: germline.
Comment: This variant has not been reported in the literature in individuals affected with JAG1-related conditions. Advanced modeling of protein sequence and biophysical properties (such as structural, functional, and spatial information, amino acid conservation, physicochemical variation, residue mobility, and thermodynamic stability) performed at Invitae indicates that this missense variant is expected to disrupt JAG1 protein function. In summary, the available evidence is currently insufficient to determine the role of this variant in disease. Therefore, it has been classified as a Variant of Uncertain Significance. This variant is present in population databases (rs749591256, gnomAD 0.003%). This sequence change replaces glycine, which is neutral and non-polar, with arginine, which is basic and polar, at codon 103 of the JAG1 protein (p.Gly103Arg).

AiLife Diagnostics
Classification: Uncertain significance. Last evaluated: 2021-10-29. Review status: criteria provided, single submitter. Criteria: ACMG Guidelines, 2015. Collection method: clinical testing. Allele origin: germline. Affected: yes. Observed: 1 variant allele.

NM_000214.3(JAG1):c.307G>C (p.Gly103Arg)

Gene: JAG1 (jagged canonical Notch ligand 1; minus strand). Cytogenetic location: 20p12.2.
Variant type: single nucleotide variant.
Coding change: c.307G>C on transcript NM_000214.3 (MANE Select); coding-DNA position 307, G replaced by C.
Protein change: p.Gly103Arg; replaces glycine 103 with arginine.
Molecular consequence: missense variant.
Genome position (GRCh38, 1-based): chr20:10,672,781, C>G on the plus strand (G>C on the coding strand, the complement: JAG1 is on the minus strand). VCF-style: chr20-10672781-C-G. GRCh37 (hg19) VCF-style: chr20-10653429-C-G.
Other names: c.307G>C (NM_000214.2); short protein forms G103R.
Identifiers: ClinVar variation 1677610 (VCV001677610.8), dbSNP rs749591256, ClinGen allele CA9765182.
Genomic context (GRCh38, chr20:10,672,781, plus strand): 5'-GCAGCACGATGCGGTTGCGGTCGTTGCCGCGGCTGGCCTTGAGGTTGAAGGTGTTGCCCC[C>G]GATGACAGGCGTGGACCCTGAGCCGAAGCTGCAGGGCCCCCCGGCCGTGACGCGGGACTG-3'
Protein context (NP_000205.1, residues 93-113): SFGSGSTPVI[Gly103Arg]GNTFNLKASR